The following is an entry in ClinVar:

ClinVar aggregate classification (germline): Likely pathogenic (1 of 4 stars; one submission).

Conditions:
Neuropathy, hereditary sensory and autonomic, type 2A (HSAN2A). Also called: WNK1-Related HSAN2 (HSAN2A); ACROOSTEOLYSIS, GIACCAI TYPE; ACROOSTEOLYSIS, NEUROGENIC; MORVAN DISEASE; NEUROPATHY, CONGENITAL SENSORY; NEUROPATHY, HEREDITARY SENSORY RADICULAR, AUTOSOMAL RECESSIVE. Identifiers: Orphanet 970, MedGen C2752089, MONDO:0024309, OMIM 201300.
Generalized epilepsy with febrile seizures plus, type 7 (GEFSP7). Also called: GEFS+, TYPE 7. Identifiers: Orphanet 36387, MedGen C2751778, MONDO:0013470, OMIM 613863.

Submission:

Labcorp Genetics (formerly Invitae), Labcorp
Classification: Likely pathogenic for Neuropathy, hereditary sensory and autonomic, type 2A; Generalized epilepsy with febrile seizures plus, type 7. Last evaluated: 2025-05-11. Review status: criteria provided, single submitter. Criteria: Invitae Variant Classification Sherloc (09022015). Collection method: clinical testing. Allele origin: germline.
Comment: This variant results in the deletion of part of exon 9 (c.1106_1107+36del) of the SCN9A gene. It is expected to disrupt RNA splicing. Variants that disrupt the donor or acceptor splice site typically lead to a loss of protein function (PMID: 16199547), and loss-of-function variants in SCN9A are known to be pathogenic (PMID: 17470132, 19304393). This variant is not present in population databases (gnomAD no frequency). This variant has not been reported in the literature in individuals affected with SCN9A-related conditions. In summary, the currently available evidence indicates that the variant is pathogenic, but additional data are needed to prove that conclusively. Therefore, this variant has been classified as Likely Pathogenic.

Literature cited by the submitters: PubMed 16199547; PubMed 17470132; PubMed 19304393.

NM_001365536.1(SCN9A):c.1106_1107+36del

Genes: SCN9A (sodium voltage-gated channel alpha subunit 9; minus strand), SCN1A-AS1 (SCN1A and SCN9A antisense RNA 1; plus strand). Cytogenetic location: 2q24.3.
Variant type: Deletion.
Coding change: c.1106_1107+36del on transcript NM_001365536.1 (MANE Select); coding-DNA position 1106 through 36 bases into the intron after coding-DNA position 1107, 38 bases deleted.
Molecular consequence: splice donor variant.
Genome position (GRCh38, 1-based): chr2:166,293,195-166,293,232, 38 bases deleted. GRCh37 (hg19): chr2:167,149,705-167,149,742.
Other names: c.1106_1107+36del (NM_002977.4).
Identifiers: ClinVar variation 4784971 (VCV004784971.1).